The following is an entry in ClinVar:

ClinVar aggregate classification (germline): Uncertain significance. Review status: criteria provided, multiple submitters, no conflicts (2 of 4 stars). 3 submissions from 3 submitters: Uncertain significance (3). Last evaluated 2024-07-09.

Conditions:
Early-onset Lafora body disease. Also called: Epilepsy, progressive myoclonic, 10. Identifiers: Orphanet 324290, MedGen C4225258, MONDO:0014717, OMIM 616640.

Allele frequency attached by ClinVar (database versions not stated): TOPMed 0.00003; gnomAD 0.00005 and 0.00006.
gnomAD v4.1: 58 of 1,227,170 alleles (0.0047%); highest among the groups gnomAD compares: Middle Eastern, 0.13%; no homozygotes.

Submissions (3):

Ambry Genetics
Classification: Uncertain significance. Last evaluated: 2024-07-09. Review status: criteria provided, single submitter. Criteria: Ambry Variant Classification Scheme 2023. Collection method: clinical testing. Allele origin: germline.

Labcorp Genetics (formerly Invitae), Labcorp
Classification: Uncertain significance for Early-onset Lafora body disease. Last evaluated: 2022-10-13. Review status: criteria provided, single submitter. Criteria: Invitae Variant Classification Sherloc (09022015). Collection method: clinical testing. Allele origin: germline.
Comment: This sequence change replaces arginine, which is basic and polar, with glutamine, which is neutral and polar, at codon 448 of the PRDM8 protein (p.Arg448Gln). This variant is present in population databases (no rsID available, gnomAD 0.03%). This variant has not been reported in the literature in individuals affected with PRDM8-related conditions. ClinVar contains an entry for this variant (Variation ID: 861940). Advanced modeling of protein sequence and biophysical properties (such as structural, functional, and spatial information, amino acid conservation, physicochemical variation, residue mobility, and thermodynamic stability) performed at Invitae indicates that this missense variant is not expected to disrupt PRDM8 protein function. In summary, the available evidence is currently insufficient to determine the role of this variant in disease. Therefore, it has been classified as a Variant of Uncertain Significance.

Baylor Genetics
Classification: Uncertain significance for Early-onset Lafora body disease. Last evaluated: 2019-09-06. Review status: criteria provided, single submitter. Criteria: ACMG Guidelines, 2015. Collection method: clinical testing. Allele origin: unknown. Affected: yes.
Comment: This variant was determined to be of uncertain significance according to ACMG Guidelines, 2015 [PMID:25741868].

NM_001099403.2(PRDM8):c.1343G>A (p.Arg448Gln)

Gene: PRDM8 (PR/SET domain 8; plus strand). Cytogenetic location: 4q21.21.
Variant type: single nucleotide variant.
Coding change: c.1343G>A on transcript NM_001099403.2 (MANE Select); coding-DNA position 1343, G replaced by A.
Protein change: p.Arg448Gln; replaces arginine 448 with glutamine.
Molecular consequence: missense variant.
Genome position (GRCh38, 1-based): chr4:80,202,805, G>A. VCF-style: chr4-80202805-G-A. GRCh37 (hg19) VCF-style: chr4-81123959-G-A.
Other names: c.1343G>A, p.Arg448Gln (NM_020226.4); short protein forms R448Q.
Identifiers: ClinVar variation 861940 (VCV000861940.7), dbSNP rs983217484, ClinGen allele CA100000956.